The following is an entry in ClinVar:

NM_001009944.3(PKD1):c.8901A>C (p.Ser2967=)

Gene: PKD1 (polycystin 1, transient receptor potential channel interacting; minus strand). Cytogenetic location: 16p13.3.
Variant type: single nucleotide variant.
Coding change: c.8901A>C on transcript NM_001009944.3 (MANE Select); coding-DNA position 8901, A replaced by C.
Protein change: p.Ser2967=; no amino-acid change (serine 2967 retained).
Molecular consequence: synonymous variant.
Genome position (GRCh38, 1-based): chr16:2,102,861, T>G on the plus strand (A>C on the coding strand, the complement: PKD1 is on the minus strand). VCF-style: chr16-2102861-T-G. GRCh37 (hg19) VCF-style: chr16-2152862-T-G.
Other names: c.8901A>C, p.Ser2967= (NM_000296.4).
Identifiers: ClinVar variation 4989836 (VCV004989836.1).

ClinVar aggregate classification (germline): Likely benign (1 of 4 stars; one submission).

Conditions:
PKD1-related disorder. Also called: PKD1-related condition.

gnomAD v4.1: 16 of 1,548,274 alleles (0.001%); highest among the groups gnomAD compares: East Asian, 0.016%; no homozygotes.

Submission:

PreventionGenetics, part of Exact Sciences
Classification: Likely benign for PKD1-related condition. Last evaluated: 2025-12-05. Review status: criteria provided, single submitter. Criteria: ACMG Guidelines, 2015. Collection method: clinical testing. Allele origin: germline.
Comment: This variant is classified as likely benign based on ACMG/AMP sequence variant interpretation guidelines (Richards et al. 2015 PMID: 25741868, with internal and published modifications).